The following is an entry in ClinVar:

NM_000240.4(MAOA):c.83del (p.Ala28fs)

Gene: MAOA (monoamine oxidase A; plus strand). Cytogenetic location: Xp11.3.
Variant type: Deletion.
Coding change: c.83del on transcript NM_000240.4 (MANE Select); coding-DNA position 83, one base deleted (C; older notation c.83delC).
Protein change: p.Ala28fs; shifts the reading frame from alanine 28.
Molecular consequence: frameshift variant. On other transcripts: 5 prime UTR variant (1).
Genome position (GRCh38, 1-based): chrX:43,683,522, C deleted. VCF-style (leftmost placement, unchanged base first): chrX-43683521-GC-G. GRCh37 (hg19) VCF-style: chrX-43542769-GC-G.
Other names: c.-317del (NM_001270458.2); short protein forms A28fs.
Identifiers: ClinVar variation 4051008 (VCV004051008.2).

ClinVar aggregate classification (germline): Likely pathogenic (1 of 4 stars; one submission).

Conditions:
Inborn genetic diseases. Identifiers: MedGen C0950123, MeSH D030342.

Submission:

Ambry Genetics
Classification: Likely pathogenic for Inborn genetic diseases. Last evaluated: 2026-04-29. Review status: criteria provided, single submitter. Criteria: Ambry Variant Classification Scheme 2023. Collection method: clinical testing. Allele origin: germline.
Comment: The c.83delC (p.A28Vfs*5) alteration, located in exon 2 (coding exon 2) of the MAOA gene, consists of a deletion of one nucleotide at position 83, causing a translational frameshift with a predicted alternate stop codon after 5 amino acids. The predicted stop codon occurs in the 5' end of the MAOA gene. Premature termination codons in the 5&rsquo; end of a gene have been reported to escape nonsense-mediated mRNA decay and/or lead to re-initiation (Rivas, 2015; Lindeboom, 2016; Rhee, 2017). Direct evidence for this alteration is unavailable; however, premature termination codons are typically deleterious in nature. This variant was not reported in population-based cohorts in the Genome Aggregation Database (gnomAD). Based on the available evidence, this alteration is classified as likely pathogenic.

Literature cited by the submitters: PubMed 25954003; PubMed 27618451; PubMed 28490743.